The following is an entry in ClinVar:

NM_001042492.3(NF1):c.6610del (p.Thr2204fs)

Gene: NF1 (neurofibromin 1; plus strand). Cytogenetic location: 17q11.2.
Variant type: Deletion.
Coding change: c.6610del on transcript NM_001042492.3 (MANE Select); coding-DNA position 6610, one base deleted (A; older notation c.6610delA).
Protein change: p.Thr2204fs; shifts the reading frame from threonine 2204.
Molecular consequence: frameshift variant.
Genome position (GRCh38, 1-based): chr17:31,337,550, A deleted; the last of 3 consecutive A bases (chr17:31,337,548-31,337,550); deleting any one gives the same sequence. VCF-style (leftmost placement, unchanged base first): chr17-31337547-GA-G. GRCh37 (hg19) VCF-style: chr17-29664565-GA-G.
Other names: c.6547del, p.Thr2183fs (NM_000267.4); short protein forms T2183fs, T2204fs.
Identifiers: ClinVar variation 5025638 (VCV005025638.1).

ClinVar aggregate classification (germline): Pathogenic (1 of 4 stars; one submission).

Conditions:
Cardiovascular phenotype. Identifiers: MedGen CN230736.
Hereditary cancer-predisposing syndrome. Also called: Neoplastic Syndromes, Hereditary; Tumor predisposition; Hereditary neoplastic syndrome; Hereditary Cancer Syndrome. Identifiers: Orphanet 140162, MedGen C0027672, MeSH D009386, MONDO:0015356.

Submission:

Ambry Genetics
Classification: Pathogenic for Cardiovascular phenotype; Hereditary cancer-predisposing syndrome. Last evaluated: 2026-08-31. Review status: criteria provided, single submitter. Criteria: Ambry Variant Classification Scheme 2023. Collection method: clinical testing. Allele origin: germline.
Comment: The c.6547delA variant, located in coding exon 42 of the NF1 gene, results from a deletion of one nucleotide at nucleotide position 6547, causing a translational frameshift with a predicted alternate stop codon (p.T2183Qfs*14). This variant was reported in an individual with features consistent with neurofibromatosis type 1 (Tritto V et al. Genes (Basel), 2019 Nov;10:). This variant is considered to be rare based on population cohorts in the Genome Aggregation Database (gnomAD). This alteration is expected to result in loss of function by premature protein truncation or nonsense-mediated mRNA decay. As such, this alteration is interpreted as a disease-causing mutation.

Literature cited by the submitters: PubMed 31694342.